The following is an entry in ClinVar:

ClinVar aggregate classification (germline): Uncertain significance (1 of 4 stars; one submission).

Conditions:
Hereditary cancer-predisposing syndrome. Also called: Neoplastic Syndromes, Hereditary; Tumor predisposition; Hereditary Cancer Syndrome; Hereditary neoplastic syndrome. Identifiers: Orphanet 140162, MedGen C0027672, MeSH D009386, MONDO:0015356.

Submission:

Ambry Genetics
Classification: Uncertain significance for Hereditary cancer-predisposing syndrome. Last evaluated: 2025-07-31. Review status: criteria provided, single submitter. Criteria: Ambry Variant Classification Scheme 2023. Collection method: clinical testing. Allele origin: germline.
Comment: The p.L991V variant (also known as c.2971T>G), located in coding exon 19 of the ATM gene, results from a T to G substitution at nucleotide position 2971. The leucine at codon 991 is replaced by valine, an amino acid with highly similar properties. This amino acid position is highly conserved in available vertebrate species. In addition, the in silico prediction for this alteration is inconclusive. Based on the available evidence, the clinical significance of this variant remains unclear.

NM_000051.4(ATM):c.2971T>G (p.Leu991Val)

Gene: ATM (ATM serine/threonine kinase; plus strand). Cytogenetic location: 11q22.3.
Variant type: single nucleotide variant.
Coding change: c.2971T>G on transcript NM_000051.4 (MANE Select); coding-DNA position 2971, T replaced by G.
Protein change: p.Leu991Val; replaces leucine 991 with valine.
Molecular consequence: missense variant.
Genome position (GRCh38, 1-based): chr11:108,271,300, T>G. VCF-style: chr11-108271300-T-G. GRCh37 (hg19) VCF-style: chr11-108142027-T-G.
Other names: c.2971T>G, p.Leu991Val (NM_001351834.2); short protein forms L991V.
Identifiers: ClinVar variation 4169733 (VCV004169733.1).
Genomic context (GRCh38, chr11:108,271,300, plus strand): 5'-TTTTACCACAGCAATGTGTGTTCTTTGTATCGTCGTGACCAAGATGTTTGTAAAACTATT[T>G]TAAACCATGTCCTTCATGTAGTGAAAAACCTAGGTCAAAGCAATATGGACTCTGAGAACA-3'
Protein context (NP_000042.3, residues 981-1001): RRDQDVCKTI[Leu991Val]NHVLHVVKNL